The following is an entry in ClinVar:

ClinVar aggregate classification (germline): Uncertain significance (1 of 4 stars; one submission).

Conditions:
Hereditary hemorrhagic telangiectasia (HHT). Also called: Osler hemorrhagic telangiectasia syndrome; ORW DISEASE; Osler Weber Rendu syndrome; OSLER-RENDU-WEBER DISEASE. Identifiers: Orphanet 774, MedGen C0039445, MONDO:0019180. Disease mechanism: loss of function.

Submission:

Molecular Genetics, Royal Melbourne Hospital
Classification: Uncertain significance for Hereditary hemorrhagic telangiectasia. Last evaluated: 2024-03-01. Review status: criteria provided, single submitter. Criteria: ACMG Guidelines, 2015. Collection method: clinical testing. Allele origin: germline. Inheritance: Autosomal dominant inheritance. Affected: yes.
Comment: This multinucleotide sequence change in ENG is an intronic variant located in intron 3. This variant is absent from the population database gnomAD v4.0. To our knowledge, this variant is novel and has not been previously reported in the relevant scientific literature or databases. The results from an in silico splicing predictor (SpliceAI) indicate that this variant may impact splicing by creating a de novo acceptor site and disrupting the acceptor splice site of intron 3 of ENG. Based on the classification scheme RMH Modified ACMG Guidelines v1.6.1, this variant is classified as a VARIANT OF UNCERTAIN SIGNIFICANCE. Following criteria are met: PM2_Supporting, PP3.

NM_001114753.3(ENG):c.361-4_361-3delinsAG

Gene: ENG (endoglin; minus strand). Cytogenetic location: 9q34.11.
Variant type: Indel.
Coding change: c.361-4_361-3delinsAG on transcript NM_001114753.3 (MANE Select); 4 bases into the intron before coding-DNA position 361 through 3 bases into the intron before coding-DNA position 361, CC replaced by AG.
Molecular consequence: intron variant.
Genome position (GRCh38, 1-based): chr9:127,826,675-127,826,676, GG replaced by CT on the plus strand (CC replaced by AG on the coding strand, the reverse complement: ENG is on the minus strand). VCF-style: chr9-127826675-GG-CT. GRCh37 (hg19) VCF-style: chr9-130588954-GG-CT.
Other names: c.361-4_361-3delCCinsAG (NM_001114753.3); c.361-4_361-3delinsAG (NM_000118.4, NM_001406715.1); c.-186-4_-186-3delinsAG (NM_001278138.2).
Identifiers: ClinVar variation 3068655 (VCV003068655.1), dbSNP rs2539078168, ClinGen allele CA2739317449.